The following is an entry in ClinVar:

NM_022168.4(IFIH1):c.2021G>A (p.Arg674Lys)

Gene: IFIH1 (interferon induced with helicase C domain 1; minus strand). Cytogenetic location: 2q24.2.
Variant type: single nucleotide variant.
Coding change: c.2021G>A on transcript NM_022168.4 (MANE Select); coding-DNA position 2021, G replaced by A.
Protein change: p.Arg674Lys; replaces arginine 674 with lysine.
Molecular consequence: missense variant.
Genome position (GRCh38, 1-based): chr2:162,277,438, C>T on the plus strand (G>A on the coding strand, the complement: IFIH1 is on the minus strand). VCF-style: chr2-162277438-C-T. GRCh37 (hg19) VCF-style: chr2-163133948-C-T.
Other names: short protein forms R674K.
Identifiers: ClinVar variation 2078212 (VCV002078212.4), dbSNP rs758006242, ClinGen allele CA1934328.

ClinVar aggregate classification (germline): Uncertain significance (1 of 4 stars; one submission).

Conditions:
Aicardi-Goutieres syndrome 7 (AGS7). Identifiers: Orphanet 51, MedGen C3888244, MONDO:0014367, OMIM 615846.
Singleton-Merten syndrome 1 (SGMRT1). Also called: Widened medullary cavities of bone, aortic calcification, abnormal dentition, and muscular weakness; Syndrome of widened medullary cavities of the metacarpals and phalanges, aortic calcification and abnormal dentition. Identifiers: Orphanet 85191, MedGen C4225427, MONDO:0024535, OMIM 182250.

Allele frequency attached by ClinVar (database versions not stated): ExAC 0.00001.
gnomAD v4.1: 5 of 1,608,526 alleles (0.00031%); highest among the groups gnomAD compares: Admixed American, 0.0034%; no homozygotes.

Submission:

Labcorp Genetics (formerly Invitae), Labcorp
Classification: Uncertain significance for Aicardi-Goutieres syndrome 7; Singleton-Merten syndrome 1. Last evaluated: 2025-08-13. Review status: criteria provided, single submitter. Criteria: Invitae Variant Classification Sherloc (09022015). Collection method: clinical testing. Allele origin: germline.
Comment: This sequence change replaces arginine, which is basic and polar, with lysine, which is basic and polar, at codon 674 of the IFIH1 protein (p.Arg674Lys). This variant is present in population databases (rs758006242, gnomAD 0.006%). This variant has not been reported in the literature in individuals affected with IFIH1-related conditions. ClinVar contains an entry for this variant (Variation ID: 2078212). An algorithm developed to predict the effect of missense changes on protein structure and function outputs the following: PolyPhen-2: "Benign". The lysine amino acid residue is found in multiple mammalian species, which suggests that this missense change does not adversely affect protein function. In summary, the available evidence is currently insufficient to determine the role of this variant in disease. Therefore, it has been classified as a Variant of Uncertain Significance.